The following is an entry in ClinVar:

NM_147127.5(EVC2):c.706+273A>C

Gene: EVC2 (EvC ciliary complex subunit 2; minus strand). Cytogenetic location: 4p16.2.
Variant type: single nucleotide variant.
Coding change: c.706+273A>C on transcript NM_147127.5 (MANE Select); 273 bases into the intron after coding-DNA position 706, A replaced by C.
Molecular consequence: intron variant.
Genome position (GRCh38, 1-based): chr4:5,688,884, T>G on the plus strand (A>C on the coding strand, the complement: EVC2 is on the minus strand). VCF-style: chr4-5688884-T-G. GRCh37 (hg19) VCF-style: chr4-5690611-T-G.
Other names: c.466+273A>C (NM_001166136.2).
Identifiers: ClinVar variation 671903 (VCV000671903.1), dbSNP rs113294715, ClinGen allele CA15326598.

ClinVar aggregate classification (germline): Benign (1 of 4 stars; one submission).

Allele frequency attached by ClinVar (database versions not stated): TOPMed 0.10717; 1000 Genomes Project 30x 0.07995; 1000 Genomes Project 0.07947.
gnomAD v4.1: 17,508 of 152,266 alleles (11%); highest among the groups gnomAD compares: Middle Eastern, 18%; 1,270 homozygotes.

Submission:

GeneDx
Classification: Benign. Last evaluated: 2018-06-19. Review status: criteria provided, single submitter. Criteria: GeneDx Variant Classification (06012015). Collection method: clinical testing. Allele origin: germline. Affected: yes.
Comment: This variant is considered likely benign or benign based on one or more of the following criteria: it is a conservative change, it occurs at a poorly conserved position in the protein, it is predicted to be benign by multiple in silico algorithms, and/or has population frequency not consistent with disease.